The following is an entry in ClinVar:

ClinVar aggregate classification (germline): Uncertain significance (1 of 4 stars; one submission).

Conditions:
Fanconi anemia (FA). Also called: Fanconi's anemia. Identifiers: Orphanet 84, MedGen C0015625, MeSH D005199, MONDO:0019391.

Allele frequency attached by ClinVar (database versions not stated): gnomAD exomes below 0.00001; ExAC 0.00001.
gnomAD v4.1: 1 of 1,613,646 alleles (0.000062%); highest among the groups gnomAD compares: Non-Finnish European, 0.000085%; no homozygotes.

Submission:

Labcorp Genetics (formerly Invitae), Labcorp
Classification: Uncertain significance for Fanconi anemia. Last evaluated: 2020-06-13. Review status: criteria provided, single submitter. Criteria: Invitae Variant Classification Sherloc (09022015). Collection method: clinical testing. Allele origin: germline.
Comment: This variant is present in population databases (rs752061240, ExAC 0.002%). This sequence change replaces glutamine with glutamic acid at codon 1090 of the FANCM protein (p.Gln1090Glu). The glutamine residue is weakly conserved and there is a small physicochemical difference between glutamine and glutamic acid. In summary, the available evidence is currently insufficient to determine the role of this variant in disease. Therefore, it has been classified as a Variant of Uncertain Significance. Algorithms developed to predict the effect of missense changes on protein structure and function output the following: SIFT: "Tolerated"; PolyPhen-2: "Benign"; Align-GVGD: "Class C0". The glutamic acid amino acid residue is found in multiple mammalian species, suggesting that this missense change does not adversely affect protein function. These predictions have not been confirmed by published functional studies and their clinical significance is uncertain. This variant has not been reported in the literature in individuals with FANCM-related conditions.

NM_020937.4(FANCM):c.3268C>G (p.Gln1090Glu)

Gene: FANCM (FA complementation group M; plus strand). Cytogenetic location: 14q21.2.
Variant type: single nucleotide variant.
Coding change: c.3268C>G on transcript NM_020937.4 (MANE Select); coding-DNA position 3268, C replaced by G.
Protein change: p.Gln1090Glu; replaces glutamine 1090 with glutamic acid.
Molecular consequence: missense variant.
Genome position (GRCh38, 1-based): chr14:45,176,022, C>G. VCF-style: chr14-45176022-C-G. GRCh37 (hg19) VCF-style: chr14-45645225-C-G.
Other names: c.3190C>G, p.Gln1064Glu (NM_001308133.2); short protein forms Q1064E, Q1090E.
Identifiers: ClinVar variation 940544 (VCV000940544.9), dbSNP rs752061240, ClinGen allele CA7169489.